The following is an entry in ClinVar:

NM_005422.4(TECTA):c.3023T>A (p.Ile1008Asn)

Genes: TBCEL-TECTA (TBCEL-TECTA readthrough; plus strand), TECTA (tectorin alpha; plus strand). Cytogenetic location: 11q23.3.
Variant type: single nucleotide variant.
Coding change: c.3023T>A on transcript NM_005422.4 (MANE Select); coding-DNA position 3023, T replaced by A.
Protein change: p.Ile1008Asn; replaces isoleucine 1008 with asparagine.
Molecular consequence: missense variant.
Genome position (GRCh38, 1-based): chr11:121,137,502, T>A. VCF-style: chr11-121137502-T-A. GRCh37 (hg19) VCF-style: chr11-121008211-T-A.
Other names: c.3980T>A, p.Ile1327Asn (NM_001378761.1); short protein forms I1008N, I1327N.
Identifiers: ClinVar variation 3907931 (VCV003907931.1).

ClinVar aggregate classification (germline): Uncertain significance (1 of 4 stars; one submission).

Submission:

GeneDx
Classification: Uncertain significance. Last evaluated: 2024-12-27. Review status: criteria provided, single submitter. Criteria: GeneDx Variant Classification Process June 2021. Collection method: clinical testing. Allele origin: germline. Affected: yes.
Comment: Not observed at significant frequency in large population cohorts (gnomAD); In silico analysis indicates that this missense variant does not alter protein structure/function; Has not been previously published as pathogenic or benign to our knowledge; This variant is associated with the following publications: (PMID: 21520338, 31554319, 9590290)